The following is an entry in ClinVar:

ClinVar aggregate classification (germline): Uncertain significance (1 of 4 stars; one submission).

Allele frequency attached by ClinVar (database versions not stated): gnomAD exomes 0.00001 and 0.00002; ExAC 0.00002; gnomAD 0.00002; TOPMed 0.00002.
gnomAD v4.1: 19 of 1,613,118 alleles (0.0012%); highest among the groups gnomAD compares: Admixed American, 0.015%; no homozygotes.

Submission:

Labcorp Genetics (formerly Invitae), Labcorp
Classification: Uncertain significance. Last evaluated: 2024-12-16. Review status: criteria provided, single submitter. Criteria: Invitae Variant Classification Sherloc (09022015). Collection method: clinical testing. Allele origin: germline.
Comment: This sequence change replaces phenylalanine, which is neutral and non-polar, with serine, which is neutral and polar, at codon 326 of the CACNA2D4 protein (p.Phe326Ser). This variant is present in population databases (rs750115751, gnomAD 0.009%). This variant has not been reported in the literature in individuals affected with CACNA2D4-related conditions. ClinVar contains an entry for this variant (Variation ID: 1436963). An algorithm developed to predict the effect of missense changes on protein structure and function (PolyPhen-2) suggests that this variant is likely to be disruptive. In summary, the available evidence is currently insufficient to determine the role of this variant in disease. Therefore, it has been classified as a Variant of Uncertain Significance.

NM_172364.5(CACNA2D4):c.977T>C (p.Phe326Ser)

Gene: CACNA2D4 (calcium voltage-gated channel auxiliary subunit alpha2delta 4; minus strand). Cytogenetic location: 12p13.33.
Variant type: single nucleotide variant.
Coding change: c.977T>C on transcript NM_172364.5 (MANE Select); coding-DNA position 977, T replaced by C.
Protein change: p.Phe326Ser; replaces phenylalanine 326 with serine.
Molecular consequence: missense variant.
Genome position (GRCh38, 1-based): chr12:1,886,239, A>G on the plus strand (T>C on the coding strand, the complement: CACNA2D4 is on the minus strand). VCF-style: chr12-1886239-A-G. GRCh37 (hg19) VCF-style: chr12-1995405-A-G.
Other names: short protein forms F326S.
Identifiers: ClinVar variation 1436963 (VCV001436963.6), dbSNP rs750115751, ClinGen allele CA6387345.